The following is an entry in ClinVar:

NM_182961.4(SYNE1):c.25148G>A (p.Ser8383Asn)

Gene: SYNE1 (spectrin repeat containing nuclear envelope protein 1; minus strand). Cytogenetic location: 6q25.2.
Variant type: single nucleotide variant.
Coding change: c.25148G>A on transcript NM_182961.4 (MANE Select); coding-DNA position 25148, G replaced by A.
Protein change: p.Ser8383Asn; replaces serine 8383 with asparagine.
Molecular consequence: missense variant.
Genome position (GRCh38, 1-based): chr6:152,141,301, C>T on the plus strand (G>A on the coding strand, the complement: SYNE1 is on the minus strand). VCF-style: chr6-152141301-C-T. GRCh37 (hg19) VCF-style: chr6-152462436-C-T.
Other names: c.1754G>A, p.Ser585Asn (NM_001347701.2); c.1682G>A, p.Ser561Asn (NM_001347702.2); c.25004G>A, p.Ser8335Asn (NM_033071.5); short protein forms S561N, S585N, S8335N, S8383N.
Identifiers: ClinVar variation 3030255 (VCV003030255.3), dbSNP rs763775773, ClinGen allele CA366082299.

ClinVar aggregate classification (germline): Uncertain significance. Review status: criteria provided, single submitter (1 of 4 stars). 2 submissions from 2 submitters: Uncertain significance (1). 1 of the submissions does not count toward it. Last evaluated 2024-09-04.

Conditions:
SYNE1-related disorder. Also called: SYNE1-related disease; SYNE1-related condition; SYNE1-related disorders.

gnomAD v4.1: 6 of 1,613,620 alleles (0.00037%); highest among the groups gnomAD compares: Admixed American, 0.0017%; no homozygotes.

Submissions (2):

GeneDx
Classification: Uncertain significance. Last evaluated: 2024-09-04. Review status: criteria provided, single submitter. Criteria: GeneDx Variant Classification Process June 2021. Collection method: clinical testing. Allele origin: germline. Affected: yes.
Comment: Not observed at significant frequency in large population cohorts (gnomAD); In silico analysis indicates that this missense variant does not alter protein structure/function; Has not been previously published as pathogenic or benign to our knowledge

PreventionGenetics, part of Exact Sciences
Classification: Uncertain significance for SYNE1-related condition. Last evaluated: 2023-12-19. Review status: no assertion criteria provided. Collection method: clinical testing. Allele origin: germline. Not counted in ClinVar's aggregate classification.
Comment: The SYNE1 c.25004G>A variant is predicted to result in the amino acid substitution p.Ser8335Asn. To our knowledge, this variant has not been reported in the literature. This variant is reported in 0.0029% of alleles in individuals of Latino descent in gnomAD. At this time, the clinical significance of this variant is uncertain due to the absence of conclusive functional and genetic evidence.